The following is an entry in ClinVar:

ClinVar aggregate classification (germline): Uncertain significance (1 of 4 stars; one submission).

gnomAD v4.1: 1 of 1,613,386 alleles (0.000062%); highest among the groups gnomAD compares: South Asian, 0.0011%; no homozygotes.

Submission:

GeneDx
Classification: Uncertain significance. Last evaluated: 2025-05-06. Review status: criteria provided, single submitter. Criteria: GeneDx Variant Classification Process June 2021. Collection method: clinical testing. Allele origin: germline. Affected: yes.
Comment: Identified in a patient with clinical features consistent with CELF4-related neurodevelopmental disorder in published literature (PMID: 40108438); Not observed at significant frequency in large population cohorts (gnomAD); In silico analysis supports that this missense variant has a deleterious effect on protein structure/function; This variant is associated with the following publications: (PMID: 40108438)

NM_020180.4(CELF4):c.557G>A (p.Gly186Glu)

Genes: CELF4 (CUGBP Elav-like family member 4; minus strand), LOC105372068 (uncharacterized LOC105372068; plus strand). Cytogenetic location: 18q12.2.
Variant type: single nucleotide variant.
Coding change: c.557G>A on transcript NM_020180.4 (MANE Select); coding-DNA position 557, G replaced by A.
Protein change: p.Gly186Glu; replaces glycine 186 with glutamic acid.
Molecular consequence: missense variant. On other transcripts: non-coding transcript variant (11).
Genome position (GRCh38, 1-based): chr18:37,275,135, C>T on the plus strand (G>A on the coding strand, the complement: CELF4 is on the minus strand). VCF-style: chr18-37275135-C-T. GRCh37 (hg19) VCF-style: chr18-34855098-C-T.
Other names: c.554G>A, p.Gly185Glu (NM_001353737.2, NM_001353738.2, NM_001353742.2 and 12 more transcripts); c.524G>A, p.Gly175Glu (NM_001353739.2, NM_001353722.2, NM_001353725.2 and 16 more transcripts); c.557G>A, p.Gly186Glu (NM_001353740.2, NM_001353743.2, NM_001353744.2 and 11 more transcripts); c.527G>A, p.Gly176Glu (NM_001353741.2, NM_001353719.2, NM_001353720.2 and 12 more transcripts); c.185G>A, p.Gly62Glu (NM_001353756.2, NM_001353761.2); c.158G>A, p.Gly53Glu (NM_001353757.2, NM_001353760.2); c.155G>A, p.Gly52Glu (NM_001353758.2, NM_001353759.2); short protein forms G175E, G176E, G185E, G186E, G52E, G53E, G62E.
Identifiers: ClinVar variation 4526943 (VCV004526943.1).